The following is an entry in ClinVar:

NM_032043.3(BRIP1):c.1780_1781delinsAA

Gene: BRIP1 (BRCA1 interacting DNA helicase 1; minus strand). Cytogenetic location: 17q23.2.
Variant type: Inversion.
Coding change: c.1780_1781delinsAA on transcript NM_032043.3 (MANE Select); coding-DNA positions 1780 to 1781, TT replaced by AA.
Genome position (GRCh38, 1-based): chr17:61,780,853-61,780,854, AA replaced by TT on the plus strand (TT replaced by AA on the coding strand, the reverse complement: BRIP1 is on the minus strand). VCF-style: chr17-61780853-AA-TT. GRCh37 (hg19) VCF-style: chr17-59858214-AA-TT.
Other names: c.1780_1781inv, p.Leu594Lys (LRG_300t1); c.1780_1781delinsAA (NM_032043.2).
Identifiers: ClinVar variation 578644 (VCV000578644.10), ClinGen allele CA891843521.
Genomic context (GRCh38, chr17:61,780,853, plus strand): 5'-TGGTACTGAGCAAGAAGACAAAATTTCCATTTACATGATGAGCTTACCACAGCTGGATTT[AA>TT]GCACCAAAAGTTTAGCACATGAACTGCAGTTTTCTGTCGTGAACGTTTCTTATTTTTTGG-3'

ClinVar aggregate classification (germline): Uncertain significance. Review status: criteria provided, multiple submitters, no conflicts (2 of 4 stars). 3 submissions from 3 submitters: Uncertain significance (3). Last evaluated 2024-10-21.

Conditions:
Familial cancer of breast. Also called: hereditary breast carcinoma; BREAST CANCER, FAMILIAL; Hereditary breast cancer. Identifiers: Orphanet 227535, MedGen C0346153, MONDO:0016419, OMIM 114480. Disease mechanism: loss of function.
Fanconi anemia complementation group J. Also called: BRIP1-Related Fanconi Anemia. Identifiers: Orphanet 84, MedGen C1836860, MONDO:0012187, OMIM 609054.

Submissions (3):

Quest Diagnostics Nichols Institute San Juan Capistrano
Classification: Uncertain significance. Last evaluated: 2024-10-21. Review status: criteria provided, single submitter. Criteria: Quest Diagnostics criteria. Collection method: clinical testing. Allele origin: unknown.
Comment: The BRIP1 c.1780_1781delinsAA (p.Leu594Lys) variant has not been reported in individuals with BRIP1-related conditions in the published literature. It also has not been reported in large, multi-ethnic general populations (Genome Aggregation Database). Analysis of this variant using bioinformatics tools for the prediction of the effect of amino acid changes on protein structure and function yielded predictions that this variant is damaging. Based on the available information, we are unable to determine the clinical significance of this variant.

Baylor Genetics
Classification: Uncertain significance for Familial cancer of breast. Last evaluated: 2023-11-08. Review status: criteria provided, single submitter. Criteria: ACMG Guidelines, 2015. Collection method: clinical testing. Allele origin: unknown.

Labcorp Genetics (formerly Invitae), Labcorp
Classification: Uncertain significance for Familial cancer of breast; Fanconi anemia complementation group J. Last evaluated: 2018-06-25. Review status: criteria provided, single submitter. Criteria: Invitae Variant Classification Sherloc (09022015). Collection method: clinical testing. Allele origin: germline.
Comment: In summary, the available evidence is currently insufficient to determine the role of this variant in disease. Therefore, it has been classified as a Variant of Uncertain Significance. Algorithms developed to predict the effect of missense changes on protein structure and function (SIFT, PolyPhen-2, Align-GVGD) all suggest that this variant is likely to be disruptive, but these predictions have not been confirmed by published functional studies and their clinical significance is uncertain. This variant has not been reported in the literature in individuals with BRIP1-related disease. This variant is not present in population databases (ExAC no frequency). This sequence change replaces leucine with lysine at codon 594 of the BRIP1 protein (p.Leu594Lys). The leucine residue is highly conserved and there is a moderate physicochemical difference between leucine and lysine.